The following is an entry in ClinVar:

ClinVar aggregate classification (germline): Pathogenic/Likely pathogenic. Review status: criteria provided, multiple submitters, no conflicts (2 of 4 stars). 12 submissions from 12 submitters: Pathogenic (7); Likely pathogenic (1). 4 of the submissions do not count toward it. Last evaluated 2026-08-01.

Conditions:
EYA1-related disorder. Also called: EYA1-related condition.
EYA1-related disorders.
Melnick-Fraser syndrome (BOR). Also called: Branchio-oto-renal syndrome; Branchiootorenal syndrome; Branchiootorenal Syndrome (BORS). Identifiers: Orphanet 107, MedGen C0265234, MONDO:0007029.
Rare genetic deafness. Identifiers: Orphanet 96210, MedGen C5680250.
Otofaciocervical syndrome 1 (OTFCS). Identifiers: MedGen C3714941, MONDO:0024532, OMIM 166780.
Branchiootorenal syndrome 1. Also called: Branchio-Oto-Renal Syndrome 1. Identifiers: Orphanet 107, MedGen C4551702, MONDO:0007236, OMIM 113650.
Branchiootic syndrome 1 (BOS1). Also called: BO SYNDROME 1; BRANCHIOOTIC DYSPLASIA. Identifiers: MedGen C1865143, MONDO:0011258, OMIM 602588.
Branchiooculofacial syndrome (BOFS). Also called: BOF SYNDROME; HEMANGIOMATOUS BRANCHIAL CLEFTS-LIP PSEUDOCLEFT SYNDROME; LIP PSEUDOCLEFT-HEMANGIOMATOUS BRANCHIAL CYST SYNDROME; Branchio-Oculo-Facial Syndrome. Identifiers: Orphanet 1297, MedGen C0376524, MeSH D019280, MONDO:0007235, OMIM 113620.

Submissions (12):

CeGaT Center for Human Genetics Tuebingen
Classification: Pathogenic. Last evaluated: 2026-08-01. Review status: criteria provided, single submitter. Criteria: CeGaT Center For Human Genetics Tuebingen Variant Classification Criteria Version 2. Collection method: clinical testing. Allele origin: germline. Affected: yes. Observed: 1 variant allele.
Comment: EYA1: PS2, PS4, PM2, PP3, PS3:Supporting

3billion
Classification: Pathogenic for Branchiootorenal syndrome 1. Last evaluated: 2025-07-31. Review status: criteria provided, single submitter. Criteria: ACMG Guidelines, 2015. Collection method: clinical testing. Allele origin: germline. Affected: yes.
Comment: The variant is not observed in the gnomAD v4.1.0 dataset. Predicted Consequence/Location: Missense variant. The majority of the known disease-causing variants of this gene are variants expected to result in premature termination of the protein. In silico tool predictions suggest damaging effect of the variant on gene or gene product [REVEL: 0.81 (>=0.6, sensitivity 0.68 and specificity 0.92)]. The same nucleotide change resulting in the same amino acid change has been previously reported as pathogenic/likely pathogenic with strong evidence (ClinVar ID: VCV000007935 /PMID: 10464653 /3billion dataset). The variant has been observed in multiple (>3) similarly affected unrelated individuals (PMID: 21280147, 28832562, 30655312). Therefore, this variant is classified as Pathogenic according to the recommendation of ACMG/AMP guideline.

Labcorp Genetics (formerly Invitae), Labcorp
Classification: Pathogenic for Melnick-Fraser syndrome. Last evaluated: 2024-12-23. Review status: criteria provided, single submitter. Criteria: Invitae Variant Classification Sherloc (09022015). Collection method: clinical testing. Allele origin: germline.
Comment: This sequence change replaces arginine, which is basic and polar, with glutamine, which is neutral and polar, at codon 440 of the EYA1 protein (p.Arg440Gln). This variant is not present in population databases (gnomAD no frequency). This missense change has been observed in individuals with branchiootorenal syndrome (PMID: 10464653, 15146463, 18220287, 21280147, 28832562). Invitae Evidence Modeling of clinical and family history, age, sex, and reported ancestry of multiple individuals with this EYA1 variant has been performed. This variant is expected to be pathogenic with a positive predictive value of at least 99%. This is a validated machine learning model that incorporates the clinical features of 10,567 individuals referred to our laboratory for EYA1 testing. This variant is also known as c.1220G>A (p.Arg407Gln). ClinVar contains an entry for this variant (Variation ID: 7935). Invitae Evidence Modeling of protein sequence and biophysical properties (such as structural, functional, and spatial information, amino acid conservation, physicochemical variation, residue mobility, and thermodynamic stability) indicates that this missense variant is not expected to disrupt EYA1 protein function with a negative predictive value of 80%. Experimental studies have shown that this missense change affects EYA1 function (PMID: 19951260, 24489909). Algorithms developed to predict the effect of sequence changes on RNA splicing suggest that this variant may disrupt the consensus splice site. For these reasons, this variant has been classified as Pathogenic.

Center for Statistical Genetics, Columbia University
Classification: Pathogenic for Branchiootorenal syndrome 1. Last evaluated: 2024-11-08. Review status: criteria provided, single submitter. Criteria: ACMG Guidelines, 2015. Collection method: research. Allele origin: germline. Inheritance: Autosomal dominant inheritance. Affected: yes. Observed: 2 heterozygotes.

Blueprint Genetics
Classification: Pathogenic for EYA1-related disorders. Last evaluated: 2023-06-16. Review status: criteria provided, single submitter. Criteria: ACMG Guidelines, 2015. Collection method: clinical testing. Allele origin: germline. Affected: yes. Observed: 4 variant alleles.

MGZ Medical Genetics Center
Classification: Likely pathogenic for Branchiootic syndrome 1. Last evaluated: 2022-08-02. Review status: criteria provided, single submitter. Criteria: ACMG Guidelines, 2015. Collection method: clinical testing. Allele origin: germline. Affected: yes. Observed: 2 variant alleles.
Comment: ACMG criteria applied: PS4, PP1_MOD, PM2_SUP, PP3

Laboratory for Molecular Medicine, Mass General Brigham Personalized Medicine
Classification: Pathogenic for Rare genetic deafness. Last evaluated: 2011-05-19. Review status: criteria provided, single submitter. Criteria: LMM Criteria. Collection method: clinical testing. Allele origin: germline. Observed: 1 variant allele.

Juno Genomics, Hangzhou Juno Genomics, Inc
Classification: Pathogenic for Branchiootorenal syndrome 1; Otofaciocervical syndrome 1; Branchiootic syndrome 1. Review status: criteria provided, single submitter. Criteria: ACMG Guidelines, 2015. Collection method: clinical testing. Allele origin: germline. Affected: yes.
Comment: Absent from controls (or at extremely low frequency if recessive) in Genome Aggregation Database, Exome Sequencing Project, 1000 Genomes Project, or Exome Aggregation Consortium.;The prevalence of the variant in affected individuals is significantly increased compared to the prevalence in controls.;Co-segregation with disease in multiple affected family members in a gene definitively known to cause the disease.;Located in a mutational hot spot and/or critical and well-established functional domain (e.g. active site of an enzyme) without benign variation.;Well-established in vitro or in vivo functional studies supportive of a damaging effect on the gene or gene product.;Multiple lines of computational evidence support a deleterious effect on the gene or gene product (conservation, evolutionary, splicing impact, etc).

Gharavi Laboratory, Columbia University
Classification: Pathogenic for Branchio-oto-renal syndrome. Last evaluated: 2024-11-05. Review status: no assertion criteria provided. Criteria: ACMG Guidelines, 2015. Collection method: case-control. Allele origin: germline. Affected: yes. Not counted in ClinVar's aggregate classification.

PreventionGenetics, part of Exact Sciences
Classification: Pathogenic for EYA1-related condition. Last evaluated: 2024-09-03. Review status: no assertion criteria provided. Collection method: clinical testing. Allele origin: germline. Not counted in ClinVar's aggregate classification.
Comment: The EYA1 c.1319G>A variant is predicted to result in the amino acid substitution p.Arg440Gln. This variant is also referred to as c.1220G>A or R407Q in the literature, corresponding to NM_172060. It has been reported in individuals with branchio-oto-renal syndrome (see, for example, Kumar et al. 1997. PubMed ID: 10464653; Orten et al. 2008. PubMed ID: 18220287; Mann et al. 2019. PubMed ID: 30655312), including some in whom it was reported de novo (Masuda et al. 2022. PubMed ID: 35046468; Cho et al. 2024. PubMed ID: 39125727). An in vivo experimental study indicated this variant affected development of the otic vesicle and vestibulocochlear nerve in Xenopus laevis embryos (referred to as R435Q, Li et al. 2010. PubMed ID: 19951260). An additional study indicated this variant protein was able to translocate into the nucleus with similar efficiency to wild type (Musharraf et al. 2014. PubMed ID: 24489909). This variant has not been reported in a large population database, indicating this variant is rare. This variant is interpreted as pathogenic.

Yale Center for Mendelian Genomics, Yale University
Classification: Pathogenic for Branchiooculofacial syndrome. Last evaluated: 2019-01-17. Review status: no assertion criteria provided. Collection method: literature only. Allele origin: germline. Affected: yes. Observed: 1 heterozygote. Study: Yale Center for Mendelian Genomics. Not counted in ClinVar's aggregate classification.

OMIM
Classification: Pathogenic for BRANCHIOOTORENAL SYNDROME 1. Last evaluated: 1997-01-01. Review status: no assertion criteria provided. Collection method: literature only. Allele origin: germline. Not counted in ClinVar's aggregate classification.

Literature cited by the submitters: PubMed 30655312 (cited by 3billion and Yale Center for Mendelian Genomics, Yale University); PubMed 10464653 (cited by 4 submitters); PubMed 21280147 (cited by 3 submitters); PubMed 28832562 (cited by 3billion and Labcorp Genetics (formerly Invitae), Labcorp); PubMed 15146463 (cited by Labcorp Genetics (formerly Invitae), Labcorp and Laboratory for Molecular Medicine, Mass General Brigham Personalized Medicine); PubMed 18220287 (cited by Labcorp Genetics (formerly Invitae), Labcorp and Laboratory for Molecular Medicine, Mass General Brigham Personalized Medicine); PubMed 19951260 (cited by Labcorp Genetics (formerly Invitae), Labcorp and Laboratory for Molecular Medicine, Mass General Brigham Personalized Medicine); PubMed 24489909 (cited by Labcorp Genetics (formerly Invitae), Labcorp).

NM_000503.6(EYA1):c.1319G>A (p.Arg440Gln)

Gene: EYA1 (EYA transcriptional coactivator and phosphatase 1; minus strand). Cytogenetic location: 8q13.3.
Variant type: single nucleotide variant.
Coding change: c.1319G>A on transcript NM_000503.6 (MANE Select); coding-DNA position 1319, G replaced by A.
Protein change: p.Arg440Gln; replaces arginine 440 with glutamine.
Molecular consequence: missense variant.
Genome position (GRCh38, 1-based): chr8:71,216,733, C>T on the plus strand (G>A on the coding strand, the complement: EYA1 is on the minus strand). VCF-style: chr8-71216733-C-T. GRCh37 (hg19) VCF-style: chr8-72128968-C-T.
Other names: R407Q; c.1319G>A (NM_172058.3); c.1301G>A, p.Arg434Gln (NM_001288574.2, NM_172059.5); c.953G>A, p.Arg318Gln (NM_001288575.2); c.1406G>A, p.Arg469Gln (NM_001370333.1); c.1319G>A, p.Arg440Gln (NM_001370334.1, NM_001370335.1, NM_172058.4); c.1298G>A, p.Arg433Gln (NM_001370336.1); short protein forms R440Q, R318Q, R433Q, R434Q, R469Q.
Identifiers: ClinVar variation 7935 (VCV000007935.23), dbSNP rs121909196, ClinGen allele CA254271.